The following is an entry in ClinVar:

ClinVar aggregate classification (germline): Uncertain significance (1 of 4 stars; one submission).

Conditions:
SEMA3G-related disorder. Also called: SEMA3G-related condition.

gnomAD v4.1: 4 of 1,612,216 alleles (0.00025%); highest among the groups gnomAD compares: Non-Finnish European, 0.00034%; no homozygotes.

Submission:

PreventionGenetics, part of Exact Sciences
Classification: Uncertain significance for SEMA3G-related condition. Last evaluated: 2026-05-12. Review status: criteria provided, single submitter. Criteria: ACMG Guidelines, 2015. Collection method: clinical testing. Allele origin: germline.
Comment: The SEMA3G c.1769T>A variant is predicted to result in the amino acid substitution p.Met590Lys. To our knowledge, this variant has not been reported in the literature or in a large population database, indicating this variant is rare. At this time, the clinical significance of this variant is uncertain due to the absence of conclusive functional and genetic evidence.

NM_020163.3(SEMA3G):c.1769T>A (p.Met590Lys)

Gene: SEMA3G (semaphorin 3G; minus strand). Cytogenetic location: 3p21.1.
Variant type: single nucleotide variant.
Coding change: c.1769T>A on transcript NM_020163.3 (MANE Select); coding-DNA position 1769, T replaced by A.
Protein change: p.Met590Lys; replaces methionine 590 with lysine.
Molecular consequence: missense variant.
Genome position (GRCh38, 1-based): chr3:52,437,636, A>T on the plus strand (T>A on the coding strand, the complement: SEMA3G is on the minus strand). VCF-style: chr3-52437636-A-T. GRCh37 (hg19) VCF-style: chr3-52471652-A-T.
Other names: short protein forms M590K.
Identifiers: ClinVar variation 4979883 (VCV004979883.1).
Genomic context (GRCh38, chr3:52,437,636, plus strand): 5'-GCCTGGGGAGACTTGGGCAGGCACTCCAGGAAGGTGCTATTGTGCTCCGTGCCGTAGACC[A>T]TGGTGGCTGCCACAAGTCCCACTGCCTCTTCTGGAGAGAGGCAGAGGTTGGCTCAGCTTG-3'
Protein context (NP_064548.1, residues 580-600): EEAVGLVAAT[Met590Lys]VYGTEHNSTF